The following is an entry in ClinVar:

ClinVar aggregate classification (germline): Conflicting classifications of pathogenicity. Review status: criteria provided, conflicting classifications (1 of 4 stars). 2 submissions from 2 submitters: Likely pathogenic (1); Uncertain significance (1). Last evaluated 2019-02-22.

Conditions:
Bardet-Biedl syndrome 2 (BBS2). Identifiers: Orphanet 110, MedGen C2936863, MONDO:0014432, OMIM 615981.

Allele frequency attached by ClinVar (database versions not stated): TOPMed below 0.00001; gnomAD 0.00001.
gnomAD v4.1: 1 of 1,614,042 alleles (0.000062%); highest among the groups gnomAD compares: Non-Finnish European, 0.000085%; no homozygotes.

Submissions (2):

Baylor Genetics
Classification: Uncertain significance for Bardet-Biedl syndrome 2. Last evaluated: 2019-02-22. Review status: criteria provided, single submitter. Criteria: ACMG Guidelines, 2015. Collection method: clinical testing. Allele origin: unknown. Affected: yes.
Comment: This variant was determined to be of uncertain significance according to ACMG Guidelines, 2015 [PMID:25741868].

Genomic Medicine Center of Excellence, King Faisal Specialist Hospital and Research Centre
Classification: Likely pathogenic. Review status: criteria provided, single submitter. Criteria: ACMG Guidelines, 2015. Collection method: research. Allele origin: germline. Affected: yes.

NM_031885.5(BBS2):c.508G>A (p.Asp170Asn)

Gene: BBS2 (Bardet-Biedl syndrome 2; minus strand). Cytogenetic location: 16q13.
Variant type: single nucleotide variant.
Coding change: c.508G>A on transcript NM_031885.5 (MANE Select); coding-DNA position 508, G replaced by A.
Protein change: p.Asp170Asn; replaces aspartic acid 170 with asparagine.
Molecular consequence: missense variant. On other transcripts: non-coding transcript variant (5).
Genome position (GRCh38, 1-based): chr16:56,510,885, C>T on the plus strand (G>A on the coding strand, the complement: BBS2 is on the minus strand). VCF-style: chr16-56510885-C-T. GRCh37 (hg19) VCF-style: chr16-56544797-C-T.
Other names: c.508G>A, p.Asp170Asn (NM_001377456.1); short protein forms D170N.
Identifiers: ClinVar variation 191068 (VCV000191068.2), dbSNP rs786205498, ClinGen allele CA235951.